The following is an entry in ClinVar:

ClinVar aggregate classification (germline): Uncertain significance (1 of 4 stars; one submission).

Allele frequency attached by ClinVar (database versions not stated): ExAC 0.00001; gnomAD exomes 0.00003 and 0.00011; ESP Exome Variant Server 0.00015; gnomAD 0.00029 and 0.00031; TOPMed 0.00035.
gnomAD v4.1: 84 of 1,612,746 alleles (0.0052%); highest among the groups gnomAD compares: Admixed American, 0.095%; 1 homozygote.

Submission:

Labcorp Genetics (formerly Invitae), Labcorp
Classification: Uncertain significance. Last evaluated: 2024-04-15. Review status: criteria provided, single submitter. Criteria: Invitae Variant Classification Sherloc (09022015). Collection method: clinical testing. Allele origin: germline.
Comment: This sequence change replaces valine, which is neutral and non-polar, with methionine, which is neutral and non-polar, at codon 862 of the LTBP2 protein (p.Val862Met). This variant is present in population databases (rs150604905, gnomAD 0.06%). This variant has not been reported in the literature in individuals affected with LTBP2-related conditions. ClinVar contains an entry for this variant (Variation ID: 1429107). An algorithm developed to predict the effect of missense changes on protein structure and function (PolyPhen-2) suggests that this variant¬†is likely to be tolerated. In summary, the available evidence is currently insufficient to determine the role of this variant in disease. Therefore, it has been classified as a Variant of Uncertain Significance.

NM_000428.3(LTBP2):c.2584G>A (p.Val862Met)

Gene: LTBP2 (latent transforming growth factor beta binding protein 2; minus strand). Cytogenetic location: 14q24.3.
Variant type: single nucleotide variant.
Coding change: c.2584G>A on transcript NM_000428.3 (MANE Select); coding-DNA position 2584, G replaced by A.
Protein change: p.Val862Met; replaces valine 862 with methionine.
Molecular consequence: missense variant.
Genome position (GRCh38, 1-based): chr14:74,522,865, C>T on the plus strand (G>A on the coding strand, the complement: LTBP2 is on the minus strand). VCF-style: chr14-74522865-C-T. GRCh37 (hg19) VCF-style: chr14-74989568-C-T.
Other names: short protein forms V862M.
Identifiers: ClinVar variation 1429107 (VCV001429107.7), dbSNP rs150604905, ClinGen allele CA7269452.